The following is an entry in ClinVar:

ClinVar aggregate classification (germline): Uncertain significance. Review status: criteria provided, multiple submitters, no conflicts (2 of 4 stars). 2 submissions from 2 submitters: Uncertain significance (2). Last evaluated 2025-06-24.

Conditions:
Inborn genetic diseases. Identifiers: MedGen C0950123, MeSH D030342.

Allele frequency attached by ClinVar (database versions not stated): TOPMed 0.00006; gnomAD 0.00008; ExAC 0.00016.

Submissions (2):

Ambry Genetics
Classification: Uncertain significance for Inborn genetic diseases. Last evaluated: 2025-06-24. Review status: criteria provided, single submitter. Criteria: Ambry Variant Classification Scheme 2023. Collection method: clinical testing. Allele origin: germline.

Labcorp Genetics (formerly Invitae), Labcorp
Classification: Uncertain significance. Last evaluated: 2024-02-24. Review status: criteria provided, single submitter. Criteria: Invitae Variant Classification Sherloc (09022015). Collection method: clinical testing. Allele origin: germline.
Comment: This sequence change replaces glycine, which is neutral and non-polar, with arginine, which is basic and polar, at codon 43 of the DPYS protein (p.Gly43Arg). The frequency data for this variant in the population databases is considered unreliable, as metrics indicate poor data quality at this position in the gnomAD database. This variant has not been reported in the literature in individuals affected with DPYS-related conditions. ClinVar contains an entry for this variant (Variation ID: 2136757). An algorithm developed to predict the effect of missense changes on protein structure and function (PolyPhen-2) suggests that this variant is likely to be tolerated. In summary, the available evidence is currently insufficient to determine the role of this variant in disease. Therefore, it has been classified as a Variant of Uncertain Significance.

NM_001385.3(DPYS):c.127G>A (p.Gly43Arg)

Gene: DPYS (dihydropyrimidinase; minus strand). Cytogenetic location: 8q22.3.
Variant type: single nucleotide variant.
Coding change: c.127G>A on transcript NM_001385.3 (MANE Select); coding-DNA position 127, G replaced by A.
Protein change: p.Gly43Arg; replaces glycine 43 with arginine.
Molecular consequence: missense variant.
Genome position (GRCh38, 1-based): chr8:104,466,794, C>T on the plus strand (G>A on the coding strand, the complement: DPYS is on the minus strand). VCF-style: chr8-104466794-C-T. GRCh37 (hg19) VCF-style: chr8-105479022-C-T.
Other names: c.127G>A (NM_001385.2); short protein forms G43R.
Identifiers: ClinVar variation 2136757 (VCV002136757.4), dbSNP rs765307472, ClinGen allele CA4838631.
Genomic context (GRCh38, chr8:104,466,794, plus strand): 5'-CTCCGGGCAGGACGAGCTTGCCGGCGGCGTCGAGGACCCGCAGCCCCGCAGGAGCGCCCC[C>T]GGGAGGCAGCAGGTCGTGCCCGAGTGCCCGCACCACGCCGTCCTCCACCAGCACGTCGGC-3'
Protein context (NP_001376.1, residues 33-53): RALGHDLLPP[Gly43Arg]GAPAGLRVLD